The following is an entry in ClinVar:

NM_004621.6(TRPC6):c.304T>C (p.Phe102Leu)

Gene: TRPC6 (transient receptor potential cation channel subfamily C member 6; minus strand). Cytogenetic location: 11q22.1.
Variant type: single nucleotide variant.
Coding change: c.304T>C on transcript NM_004621.6 (MANE Select); coding-DNA position 304, T replaced by C.
Protein change: p.Phe102Leu; replaces phenylalanine 102 with leucine.
Molecular consequence: missense variant.
Genome position (GRCh38, 1-based): chr11:101,504,665, A>G on the plus strand (T>C on the coding strand, the complement: TRPC6 is on the minus strand). VCF-style: chr11-101504665-A-G. GRCh37 (hg19) VCF-style: chr11-101375396-A-G.
Other names: short protein forms F102L.
Identifiers: ClinVar variation 3234091 (VCV003234091.1), dbSNP rs201363468, ClinGen allele CA382451272.
Genomic context (GRCh38, chr11:101,504,665, plus strand): 5'-GGCATTCTTCTAACATCTTCCGCACCACTGGGATGTTACCATATTCAGCTGCATCCAAAA[A>G]GCGTTCCTCCTCTATAGATAGGCTTGTGGAGCGATCACTAAACATGTATGCTGGTCCTCG-3'
Protein context (NP_004612.2, residues 92-112): STSLSIEEER[Phe102Leu]LDAAEYGNIP

ClinVar aggregate classification (germline): Uncertain significance (1 of 4 stars; one submission).

Conditions:
Focal segmental glomerulosclerosis 2 (FSGS2). Identifiers: Orphanet 656, MedGen C1858915, MONDO:0011390, OMIM 603965.

Submission:

MVZ Medizinische Genetik Mainz
Classification: Uncertain significance for Focal segmental glomerulosclerosis 2. Last evaluated: 2023-12-12. Review status: criteria provided, single submitter. Criteria: UK Practice Guidelines For Variant Classification V4 01 2020. Collection method: clinical testing. Allele origin: germline. Inheritance: Autosomal dominant inheritance. Affected: yes. Observed: 1 variant allele.
Comment: ACMG Criteria: PM1,PP3_MOD,PM2_SUP